The following is an entry in ClinVar:

NM_015662.3(IFT172):c.1448G>A (p.Ser483Asn)

Gene: IFT172 (intraflagellar transport 172; minus strand). Cytogenetic location: 2p23.3.
Variant type: single nucleotide variant.
Coding change: c.1448G>A on transcript NM_015662.3 (MANE Select); coding-DNA position 1448, G replaced by A.
Protein change: p.Ser483Asn; replaces serine 483 with asparagine.
Molecular consequence: missense variant.
Genome position (GRCh38, 1-based): chr2:27,472,326, C>T on the plus strand (G>A on the coding strand, the complement: IFT172 is on the minus strand). VCF-style: chr2-27472326-C-T. GRCh37 (hg19) VCF-style: chr2-27695193-C-T.
Other names: short protein forms S483N.
Identifiers: ClinVar variation 1007618 (VCV001007618.6), dbSNP rs1176061294, ClinGen allele CA346391634.

ClinVar aggregate classification (germline): Uncertain significance (1 of 4 stars; one submission).

Conditions:
Short-rib thoracic dysplasia 10 with or without polydactyly (SRTD10). Identifiers: Orphanet 474, MedGen C3810175, MONDO:0014284, OMIM 615630.
Retinitis pigmentosa 71 (RP71). Identifiers: Orphanet 791, MedGen C4225342, MONDO:0014618, OMIM 616394.

Allele frequency attached by ClinVar (database versions not stated): gnomAD below 0.00001 and 0.00001; gnomAD exomes 0.00001.
gnomAD v4.1: 6 of 1,614,028 alleles (0.00037%); highest among the groups gnomAD compares: South Asian, 0.0066%; no homozygotes.

Submission:

Labcorp Genetics (formerly Invitae), Labcorp
Classification: Uncertain significance for Retinitis pigmentosa 71; Short-rib thoracic dysplasia 10 with or without polydactyly. Last evaluated: 2020-08-25. Review status: criteria provided, single submitter. Criteria: Invitae Variant Classification Sherloc (09022015). Collection method: clinical testing. Allele origin: germline.
Comment: This variant is not present in population databases (ExAC no frequency). In summary, the available evidence is currently insufficient to determine the role of this variant in disease. Therefore, it has been classified as a Variant of Uncertain Significance. Algorithms developed to predict the effect of missense changes on protein structure and function output the following: SIFT: "Tolerated"; PolyPhen-2: "Benign"; Align-GVGD: "Class C0". The asparagine amino acid residue is found in multiple mammalian species, suggesting that this missense change does not adversely affect protein function. These predictions have not been confirmed by published functional studies and their clinical significance is uncertain. This variant has not been reported in the literature in individuals with IFT172-related conditions. This sequence change replaces serine with asparagine at codon 483 of the IFT172 protein (p.Ser483Asn). The serine residue is moderately conserved and there is a small physicochemical difference between serine and asparagine.